The following is an entry in ClinVar:

ClinVar aggregate classification (germline): Uncertain significance (1 of 4 stars; one submission).

Conditions:
Hereditary cancer-predisposing syndrome. Also called: Neoplastic Syndromes, Hereditary; Tumor predisposition; Hereditary neoplastic syndrome; Hereditary Cancer Syndrome. Identifiers: Orphanet 140162, MedGen C0027672, MeSH D009386, MONDO:0015356.

Submission:

Academic Department of Medical Genetics, University of Cambridge
Classification: Uncertain significance for Hereditary cancer-predisposing syndrome. Last evaluated: 2018-01-26. Review status: criteria provided, single submitter. Criteria: Whitworth J et al. (Am J Hum Genet 2018). Collection method: research. Allele origin: germline. Affected: yes. Observed: 1 heterozygote.
Comment: Identified as part of research study of individuals with multiple primary tumours referred for genetic assessment

Single allele

Gene: SMAD4 (SMAD family member 4; plus strand). Cytogenetic location: 18q21.2.
Variant type: Translocation.
Identifiers: ClinVar variation 689361 (VCV000689361.1).